The following is an entry in ClinVar:

NM_000521.4(HEXB):c.1640dup (p.Tyr547Ter)

Gene: HEXB (hexosaminidase subunit beta; plus strand). Cytogenetic location: 5q13.3.
Variant type: Duplication.
Coding change: c.1640dup on transcript NM_000521.4 (MANE Select); coding-DNA position 1640, one base duplicated (A; older notation c.1640dupA).
Protein change: p.Tyr547Ter; replaces tyrosine 547 with a stop codon.
Molecular consequence: nonsense.
Genome position (GRCh38, 1-based): chr5:74,721,144, A duplicated. VCF-style (leftmost placement, unchanged base first): chr5-74721143-T-TA. GRCh37 (hg19) VCF-style: chr5-74016968-T-TA.
Other names: c.965dup, p.Tyr322Ter (NM_001292004.2); c.1640dupA (NM_000521.4); short protein forms Y322*, Y547*.
Identifiers: ClinVar variation 1878340 (VCV001878340.8), dbSNP rs2478777191, ClinGen allele CA2580073427.

ClinVar aggregate classification (germline): Pathogenic. Review status: criteria provided, multiple submitters, no conflicts (2 of 4 stars). 2 submissions from 2 submitters: Pathogenic (2). Last evaluated 2025-04-25.

Conditions:
Sandhoff disease. Also called: HEXOSAMINIDASES A AND B DEFICIENCY; Beta-hexosaminidase-beta-subunit deficiency; GM2 gangliosidosis, type 2; Total hexosaminidase deficiency; Sandhoff-Jatzkewitz-Pilz disease; GM2-GANGLIOSIDOSIS, TYPE II. Identifiers: Orphanet 796, MedGen C0036161, MONDO:0010006, OMIM 268800.

Submissions (2):

Women's Health and Genetics/Laboratory Corporation of America, LabCorp
Classification: Pathogenic for Sandhoff disease. Last evaluated: 2025-04-25. Review status: criteria provided, single submitter. Criteria: LabCorp Variant Classification Summary - May 2015. Collection method: clinical testing. Allele origin: germline.
Comment: Variant summary: HEXB c.1640dupA (p.Tyr547X) results in a premature termination codon, predicted to cause a truncation of the encoded protein eliminating the last 10 amino acids. Although, not predicted to result in nonsense mediated decay, pathogenic variants have been observed downstream.The variant was absent in 251214 control chromosomes. To our knowledge, no occurrence of c.1640dupA in individuals affected with Sandhoff Disease and no experimental evidence demonstrating its impact on protein function have been reported. ClinVar contains an entry for this variant (Variation ID: 1878340). Based on the evidence outlined above, the variant was classified as pathogenic.

Labcorp Genetics (formerly Invitae), Labcorp
Classification: Pathogenic for Sandhoff disease. Last evaluated: 2022-11-30. Review status: criteria provided, single submitter. Criteria: Invitae Variant Classification Sherloc (09022015). Collection method: clinical testing. Allele origin: germline.
Comment: For these reasons, this variant has been classified as Pathogenic. This variant disrupts a region of the HEXB protein in which other variant(s) (p.Cys551Tyr) have been determined to be pathogenic (PMID: 24461908, 33407268). This suggests that this is a clinically significant region of the protein, and that variants that disrupt it are likely to be disease-causing. This variant has not been reported in the literature in individuals affected with HEXB-related conditions. This variant is not present in population databases (gnomAD no frequency). This sequence change creates a premature translational stop signal (p.Tyr547*) in the HEXB gene. While this is not anticipated to result in nonsense mediated decay, it is expected to disrupt the last 10 amino acid(s) of the HEXB protein.

Literature cited by the submitters: PubMed 24461908 (cited by Labcorp Genetics (formerly Invitae), Labcorp); PubMed 33407268 (cited by Labcorp Genetics (formerly Invitae), Labcorp).